The following is an entry in ClinVar:

NM_002860.4(ALDH18A1):c.1685A>G (p.Gln562Arg)

Gene: ALDH18A1 (aldehyde dehydrogenase 18 family member A1; minus strand). Cytogenetic location: 10q24.1.
Variant type: single nucleotide variant.
Coding change: c.1685A>G on transcript NM_002860.4 (MANE Select); coding-DNA position 1685, A replaced by G.
Protein change: p.Gln562Arg; replaces glutamine 562 with arginine.
Molecular consequence: missense variant.
Genome position (GRCh38, 1-based): chr10:95,614,082, T>C on the plus strand (A>G on the coding strand, the complement: ALDH18A1 is on the minus strand). VCF-style: chr10-95614082-T-C. GRCh37 (hg19) VCF-style: chr10-97373839-T-C.
Other names: c.1679A>G, p.Gln560Arg (NM_001017423.2, NM_001323415.2); c.1352A>G, p.Gln451Arg (NM_001323412.2, NM_001323416.2); c.1685A>G, p.Gln562Arg (NM_001323413.2, NM_001323414.2); c.1580A>G, p.Gln527Arg (NM_001323417.2); c.1346A>G, p.Gln449Arg (NM_001323418.2); c.1049A>G, p.Gln350Arg (NM_001323419.2); short protein forms Q562R, Q350R, Q451R, Q449R, Q527R, Q560R.
Identifiers: ClinVar variation 2195309 (VCV002195309.4), dbSNP rs1242728015, ClinGen allele CA377700742.
Genomic context (GRCh38, chr10:95,614,082, plus strand): 5'-CCTTCGCTGTGCCCCATCACTGGAATCCCCTTAGCAGCTTTCTGGATGTCTCTGACCAGC[T>C]GGGAAGAGCCACGTGGAATGATCAGATCTATCATTTTGTCTAGGCGGCAAAGATCTTCAA-3'
Protein context (NP_002851.2, residues 552-572): IDLIIPRGSS[Gln562Arg]LVRDIQKAAK

ClinVar aggregate classification (germline): Uncertain significance (1 of 4 stars; one submission).

Conditions:
Cutis laxa, autosomal dominant 3 (ADCL3). Identifiers: Orphanet 90348, MedGen C4225268, MONDO:0014706, OMIM 616603.
de Barsy syndrome. Also called: Cutis laxa-corneal clouding-oligophrenia syndrome. Identifiers: Orphanet 2962, MedGen C0268354, MONDO:0017569.
Autosomal dominant spastic paraplegia type 9. Identifiers: MedGen C1832669, MONDO:0015091.

gnomAD v4.1: 1 of 1,614,182 alleles (0.000062%); no homozygotes.

Submission:

Labcorp Genetics (formerly Invitae), Labcorp
Classification: Uncertain significance for Autosomal dominant spastic paraplegia type 9; de Barsy syndrome; Cutis laxa, autosomal dominant 3. Last evaluated: 2022-08-28. Review status: criteria provided, single submitter. Criteria: Invitae Variant Classification Sherloc (09022015). Collection method: clinical testing. Allele origin: germline.
Comment: This variant has not been reported in the literature in individuals affected with ALDH18A1-related conditions. In summary, the available evidence is currently insufficient to determine the role of this variant in disease. Therefore, it has been classified as a Variant of Uncertain Significance. Algorithms developed to predict the effect of missense changes on protein structure and function (SIFT, PolyPhen-2, Align-GVGD) all suggest that this variant is likely to be tolerated. This variant is present in population databases (no rsID available, gnomAD 0.0009%). This sequence change replaces glutamine, which is neutral and polar, with arginine, which is basic and polar, at codon 562 of the ALDH18A1 protein (p.Gln562Arg).